The following is an entry in ClinVar:

NM_001378778.1(MPDZ):c.5195C>T (p.Pro1732Leu)

Gene: MPDZ (multiple PDZ domain crumbs cell polarity complex component; minus strand). Cytogenetic location: 9p23.
Variant type: single nucleotide variant.
Coding change: c.5195C>T on transcript NM_001378778.1 (MANE Select); coding-DNA position 5195, C replaced by T.
Protein change: p.Pro1732Leu; replaces proline 1732 with leucine.
Molecular consequence: missense variant.
Genome position (GRCh38, 1-based): chr9:13,121,775, G>A on the plus strand (C>T on the coding strand, the complement: MPDZ is on the minus strand). VCF-style: chr9-13121775-G-A. GRCh37 (hg19) VCF-style: chr9-13121774-G-A.
Other names: c.5195C>T (NM_003829.3); c.5096C>T, p.Pro1699Leu (NM_001261406.2, NM_001261407.2, NM_001375416.1 and 3 more transcripts); c.5195C>T, p.Pro1732Leu (NM_001330637.2, NM_003829.5); c.5294C>T, p.Pro1765Leu (NM_001375413.1); c.4985C>T, p.Pro1662Leu (NM_001375420.1, NM_001375421.1, NM_001375422.1 and 4 more transcripts); c.4787C>T, p.Pro1596Leu (NM_001375427.1); short protein forms P1699L, P1765L, P1596L, P1662L, P1732L.
Identifiers: ClinVar variation 1437062 (VCV001437062.9), dbSNP rs762930771, ClinGen allele CA4986407.

ClinVar aggregate classification (germline): Uncertain significance. Review status: criteria provided, multiple submitters, no conflicts (2 of 4 stars). 2 submissions from 2 submitters: Uncertain significance (2). Last evaluated 2025-07-01.

Conditions:
Inborn genetic diseases. Identifiers: MedGen C0950123, MeSH D030342.

Allele frequency attached by ClinVar (database versions not stated): gnomAD exomes 0.00003 and 0.00005; TOPMed 0.00003; gnomAD 0.00004; ExAC 0.00005.
gnomAD v4.1: 50 of 1,613,534 alleles (0.0031%); highest among the groups gnomAD compares: South Asian, 0.0055%; no homozygotes.

Submissions (2):

Ambry Genetics
Classification: Uncertain significance for Inborn genetic diseases. Last evaluated: 2025-07-01. Review status: criteria provided, single submitter. Criteria: Ambry Variant Classification Scheme 2023. Collection method: clinical testing. Allele origin: germline.

Labcorp Genetics (formerly Invitae), Labcorp
Classification: Uncertain significance. Last evaluated: 2025-04-17. Review status: criteria provided, single submitter. Criteria: Invitae Variant Classification Sherloc (09022015). Collection method: clinical testing. Allele origin: germline.
Comment: This sequence change replaces proline, which is neutral and non-polar, with leucine, which is neutral and non-polar, at codon 1732 of the MPDZ protein (p.Pro1732Leu). This variant is present in population databases (rs762930771, gnomAD 0.007%). This variant has not been reported in the literature in individuals affected with MPDZ-related conditions. ClinVar contains an entry for this variant (Variation ID: 1437062). An algorithm developed to predict the effect of missense changes on protein structure and function (PolyPhen-2) suggests that this variant is likely to be disruptive. In summary, the available evidence is currently insufficient to determine the role of this variant in disease. Therefore, it has been classified as a Variant of Uncertain Significance.